The following is an entry in ClinVar:

NM_001267550.2(TTN):c.9422_9423del (p.Phe3141fs)

Gene: TTN (titin; minus strand). Cytogenetic location: 2q31.2.
Variant type: Deletion.
Coding change: c.9422_9423del on transcript NM_001267550.2 (MANE Select); coding-DNA positions 9422 to 9423, 2 bases deleted (TT; older notation c.9422_9423delTT).
Protein change: p.Phe3141fs; shifts the reading frame from phenylalanine 3141.
Molecular consequence: frameshift variant.
Genome position (GRCh38, 1-based): chr2:178,767,807-178,767,808, AA deleted on the plus strand (TT on the coding strand, the reverse complement: TTN is on the minus strand); deleting any 2 consecutive bases within chr2:178,767,807-178,767,809 gives the same sequence; the c. name uses the placement nearest the transcript's 3' end. VCF-style (leftmost placement, unchanged base first): chr2-178767806-CAA-C. GRCh37 (hg19) VCF-style: chr2-179632533-CAA-C.
Other names: c.9422_9423del, p.Phe3141fs (NM_001256850.1, NM_133378.4, NM_133379.5); c.9284_9285del, p.Phe3095fs (NM_003319.4, NM_133432.3, NM_133437.4); short protein forms F3095fs, F3141fs.
Identifiers: ClinVar variation 3752333 (VCV003752333.2).
Genomic context (GRCh38, chr2:178,767,806, plus strand): 5'-ATGTAGACAATACCTGAACCTCCTTTTTAATACTTCGGATGCGAACATCTCTGCCTTCTA[CAA>C]AGAGTTTTGCAGTTGACACGTTGCCTCCTGCCACCACTGTGTACTTCCCAGCATCAGACA-3'

ClinVar aggregate classification (germline): Likely pathogenic (1 of 4 stars; one submission).

Conditions:
Autosomal recessive limb-girdle muscular dystrophy type 2J (LGMDR10). Also called: Limb-girdle muscular dystrophy, type 2J; MUSCULAR DYSTROPHY, LIMB-GIRDLE, AUTOSOMAL RECESSIVE 10. Identifiers: Orphanet 140922, MedGen C1837342, MONDO:0012127, OMIM 608807.
Dilated cardiomyopathy 1G (CMD1G). Identifiers: Orphanet 154, MedGen C1858763, MONDO:0011400, OMIM 604145.

Submission:

Labcorp Genetics (formerly Invitae), Labcorp
Classification: Likely pathogenic for Dilated cardiomyopathy 1G; Autosomal recessive limb-girdle muscular dystrophy type 2J. Last evaluated: 2024-12-25. Review status: criteria provided, single submitter. Criteria: Invitae Variant Classification Sherloc (09022015). Collection method: clinical testing. Allele origin: germline.
Comment: This sequence change creates a premature translational stop signal (p.Phe3141Cysfs*12) in the TTN gene. While this is not anticipated to result in nonsense mediated decay, it is expected to create a truncated TTN protein. This variant is not present in population databases (gnomAD no frequency). This variant has not been reported in the literature in individuals affected with TTN-related conditions. This variant is located in the I band of TTN (PMID: 25589632). Truncating variants in this region have been reported in individuals affected with autosomal recessive centronuclear myopathy (PMID: 23975875, internal data). Truncating variants in this region have also been identified in individuals affected with autosomal dominant dilated cardiomyopathy and/or cardio-related conditions (PMID: 27869827, 32964742, internal data). In summary, the currently available evidence indicates that the variant is pathogenic, but additional data are needed to prove that conclusively. Therefore, this variant has been classified as Likely Pathogenic.

Literature cited by the submitters: PubMed 25589632; PubMed 23975875; PubMed 27869827; PubMed 32964742.